The following is an entry in ClinVar:

ClinVar aggregate classification (germline): Pathogenic (1 of 4 stars; one submission).

Conditions:
Combined immunodeficiency due to ZAP70 deficiency (IMD48). Also called: Immunodeficiency 48; ZAP70 Deficiency. Identifiers: Orphanet 911, MedGen C2931299, MONDO:0010023, OMIM 269840.

Submission:

Labcorp Genetics (formerly Invitae), Labcorp
Classification: Pathogenic for Combined immunodeficiency due to ZAP70 deficiency. Last evaluated: 2024-11-03. Review status: criteria provided, single submitter. Criteria: Invitae Variant Classification Sherloc (09022015). Collection method: clinical testing. Allele origin: germline.
Comment: This sequence change creates a premature translational stop signal (p.Arg282Thrfs*13) in the ZAP70 gene. It is expected to result in an absent or disrupted protein product. Loss-of-function variants in ZAP70 are known to be pathogenic (PMID: 8202712). This variant is not present in population databases (gnomAD no frequency). This variant has not been reported in the literature in individuals affected with ZAP70-related conditions. For these reasons, this variant has been classified as Pathogenic.

Literature cited by the submitters: PubMed 8202712.

NM_001079.4(ZAP70):c.845_846del (p.Arg282fs)

Gene: ZAP70 (zeta chain of T cell receptor associated protein kinase 70; plus strand). Cytogenetic location: 2q11.2.
Variant type: Microsatellite.
Coding change: c.845_846del on transcript NM_001079.4 (MANE Select); coding-DNA positions 845 to 846, 2 bases deleted (GA; older notation c.845_846delGA).
Protein change: p.Arg282fs; shifts the reading frame from arginine 282.
Molecular consequence: frameshift variant. On other transcripts: 5 prime UTR variant (1).
Genome position (GRCh38, 1-based): chr2:97,733,551-97,733,552, GA deleted; deleting any 2 consecutive bases within chr2:97,733,548-97,733,552 gives the same sequence; the c. name uses the placement nearest the transcript's 3' end. VCF-style (leftmost placement, unchanged base first): chr2-97733547-CAG-C. GRCh37 (hg19) VCF-style: chr2-98350010-CAG-C.
Other names: c.845_846del, p.Arg282fs (NM_001378594.1); c.-1003GA[1] (NM_207519.2); short protein forms R282fs.
Identifiers: ClinVar variation 3674567 (VCV003674567.2).